The following is an entry in ClinVar:

NM_000179.3(MSH6):c.1907C>A (p.Thr636Asn)

Gene: MSH6 (mutS homolog 6; plus strand). Cytogenetic location: 2p16.3.
Variant type: single nucleotide variant.
Coding change: c.1907C>A on transcript NM_000179.3 (MANE Select); coding-DNA position 1907, C replaced by A.
Protein change: p.Thr636Asn; replaces threonine 636 with asparagine.
Molecular consequence: missense variant.
Genome position (GRCh38, 1-based): chr2:47,799,890, C>A. VCF-style: chr2-47799890-C-A. GRCh37 (hg19) VCF-style: chr2-48027029-C-A.
Other names: c.1517C>A, p.Thr506Asn (NM_001281492.2); c.1001C>A, p.Thr334Asn (NM_001281493.2, NM_001281494.2); short protein forms T636N, T334N, T506N.
Identifiers: ClinVar variation 455162 (VCV000455162.9), dbSNP rs1553413281, ClinGen allele CA346750157.
Genomic context (GRCh38, chr2:47,799,890, plus strand): 5'-CTCTTCAGGAAGGTCTGATACCCGGCTCCCAGTTTTGGGATGCATCCAAAACTTTGAGAA[C>A]TCTCCTTGAGGAAGAATATTTTAGGGAAAAGCTAAGTGATGGCATTGGGGTGATGTTACC-3'
Protein context (NP_000170.1, residues 626-646): QFWDASKTLR[Thr636Asn]LLEEEYFREK

ClinVar aggregate classification (germline): Uncertain significance (1 of 4 stars; one submission).

Conditions:
Hereditary nonpolyposis colorectal neoplasms. Identifiers: MedGen C0009405, MeSH D003123.

Submission:

Labcorp Genetics (formerly Invitae), Labcorp
Classification: Uncertain significance for Hereditary nonpolyposis colorectal neoplasms. Last evaluated: 2025-11-10. Review status: criteria provided, single submitter. Criteria: Invitae Variant Classification Sherloc (09022015). Collection method: clinical testing. Allele origin: germline.
Comment: This sequence change replaces threonine, which is neutral and polar, with asparagine, which is neutral and polar, at codon 636 of the MSH6 protein (p.Thr636Asn). This variant is not present in population databases (gnomAD no frequency). This variant has not been reported in the literature in individuals affected with MSH6-related conditions. ClinVar contains an entry for this variant (Variation ID: 455162). Invitae Evidence Modeling of protein sequence and biophysical properties (such as structural, functional, and spatial information, amino acid conservation, physicochemical variation, residue mobility, and thermodynamic stability) indicates that this missense variant is not expected to disrupt MSH6 protein function with a negative predictive value of 95%. In summary, the available evidence is currently insufficient to determine the role of this variant in disease. Therefore, it has been classified as a Variant of Uncertain Significance.